The following is an entry in ClinVar:

NM_000051.4(ATM):c.2455T>C (p.Cys819Arg)

Gene: ATM (ATM serine/threonine kinase; plus strand). Cytogenetic location: 11q22.3.
Variant type: single nucleotide variant.
Coding change: c.2455T>C on transcript NM_000051.4 (MANE Select); coding-DNA position 2455, T replaced by C.
Protein change: p.Cys819Arg; replaces cysteine 819 with arginine.
Molecular consequence: missense variant.
Genome position (GRCh38, 1-based): chr11:108,259,064, T>C. VCF-style: chr11-108259064-T-C. GRCh37 (hg19) VCF-style: chr11-108129791-T-C.
Other names: c.2455T>C, p.Cys819Arg (NM_001351834.2); short protein forms C819R.
Identifiers: ClinVar variation 226114 (VCV000226114.21), dbSNP rs775644968, ClinGen allele CA6265024.

ClinVar aggregate classification (germline): Likely pathogenic. Review status: criteria provided, multiple submitters, no conflicts (2 of 4 stars). 6 submissions from 6 submitters: Likely pathogenic (6). Last evaluated 2026-02-18.

Conditions:
ATM-related cancer predisposition. Also called: ATM-related cancer susceptibility. Identifiers: MedGen CN377759, MONDO:0700270.
Hereditary cancer-predisposing syndrome. Also called: Hereditary Cancer Syndrome; Tumor predisposition; Hereditary neoplastic syndrome; Neoplastic Syndromes, Hereditary. Identifiers: Orphanet 140162, MedGen C0027672, MeSH D009386, MONDO:0015356.
Ataxia-telangiectasia syndrome (AT). Also called: AT, COMPLEMENTATION GROUP C; Ataxia-telangiectasia, complementation group E; LOUIS-BAR SYNDROME; Ataxia-telangiectasia, complementation group D; ATAXIA-TELANGIECTASIA, COMPLEMENTATION GROUP A; ATAXIA-TELANGIECTASIA, FRESNO VARIANT. Identifiers: Orphanet 100, MedGen C0004135, MONDO:0008840, OMIM 208900.

Allele frequency attached by ClinVar (database versions not stated): gnomAD exomes below 0.00001; TOPMed below 0.00001; ExAC 0.00001.

Submissions (6):

Dasa
Classification: Likely pathogenic for ATM-related cancer predisposition. Last evaluated: 2026-02-18. Review status: criteria provided, single submitter. Criteria: DASA Assertion Criteria. Collection method: clinical testing. Allele origin: germline.
Comment: NM_000051.4(ATM):c.2455T>C (p.Cys819Arg) is a missense variant that results in the substitution of cysteine with arginine. This variant has been reported in individuals with ATM-related cancer predisposition (PMID: 35154108). Functional evidence supports an impact on the gene or gene product (PMID: 35154108). Also, this variant is rare in population databases. Based on the currently available evidence, this variant is classified as likely pathogenic.

GeneDx
Classification: Likely pathogenic. Last evaluated: 2025-10-28. Review status: criteria provided, single submitter. Criteria: GeneDx Variant Classification Process June 2021. Collection method: clinical testing. Allele origin: germline.
Comment: Not observed at significant frequency in large population cohorts (gnomAD); In silico analysis supports that this missense variant has a deleterious effect on protein structure/function; This variant is associated with the following publications: (PMID: 35154108)

Labcorp Genetics (formerly Invitae), Labcorp
Classification: Likely pathogenic for Ataxia-telangiectasia syndrome. Last evaluated: 2025-10-01. Review status: criteria provided, single submitter. Criteria: Invitae Variant Classification Sherloc (09022015). Collection method: clinical testing. Allele origin: germline.
Comment: This sequence change replaces cysteine, which is neutral and slightly polar, with arginine, which is basic and polar, at codon 819 of the ATM protein (p.Cys819Arg). This variant is not present in population databases (gnomAD no frequency). This missense change has been observed in individual(s) with ataxia-telangiectasia (PMID: 35154108). In at least one individual the data is consistent with being in trans (on the opposite chromosome) from a pathogenic variant. ClinVar contains an entry for this variant (Variation ID: 226114). Invitae Evidence Modeling of protein sequence and biophysical properties (such as structural, functional, and spatial information, amino acid conservation, physicochemical variation, residue mobility, and thermodynamic stability) indicates that this missense variant is not expected to disrupt ATM protein function with a negative predictive value of 95%. Studies have shown that this missense change alters ATM gene expression (PMID: 35154108). In summary, the currently available evidence indicates that the variant is pathogenic, but additional data are needed to prove that conclusively. Therefore, this variant has been classified as Likely Pathogenic.

Women's Health and Genetics/Laboratory Corporation of America, LabCorp
Classification: Likely pathogenic for Ataxia-telangiectasia syndrome. Last evaluated: 2025-03-17. Review status: criteria provided, single submitter. Criteria: LabCorp Variant Classification Summary - May 2015. Collection method: clinical testing. Allele origin: germline.
Comment: Variant summary: ATM c.2455T>C (p.Cys819Arg) results in a non-conservative amino acid change in the encoded protein sequence. Three of five in-silico tools predict a damaging effect of the variant on protein function. The frequency data for this variant in gnomAD is considered unreliable, as metrics indicate poor data quality at this position. c.2455T>C has been reported in the literature in at-least one individual affected with Ataxia-Telangiectasia who carries a pathogenic variant in trans (example: Blanchard-Rohner_2022). At least one publication reports experimental evidence evaluating an impact on protein function. Specifically, no detectable protein and consequently, no kinase activity was found in a lymphoblastoid cell line from an individual with Ataxia-Telangiectasia carrying the variant of interest in trans with a pathogenic null ATM variant (example: Blanchard-Rohner_2022). The following publication has been ascertained in the context of this evaluation (PMID: 35154108). ClinVar contains an entry for this variant (Variation ID: 226114). Based on the evidence outlined above, the variant was classified as likely pathogenic.

Ambry Genetics
Classification: Likely pathogenic for Hereditary cancer-predisposing syndrome. Last evaluated: 2023-08-07. Review status: criteria provided, single submitter. Criteria: Ambry Variant Classification Scheme 2023. Collection method: clinical testing. Allele origin: germline.
Comment: The p.C819R variant (also known as c.2455T>C), located in coding exon 15 of the ATM gene, results from a T to C substitution at nucleotide position 2455. The cysteine at codon 819 is replaced by arginine, an amino acid with highly dissimilar properties. This variant has been confirmed in trans with a ATM pathogenic variant in an individual diagnosed with ataxia telangiectasia (Blanchard-Rohner G et al. Front Immunol, 2022 Jan;13:791522). This amino acid position is highly conserved in available vertebrate species. In addition, this alteration is predicted to be deleterious by in silico analysis. This variant is considered to be rare based on population cohorts in the Genome Aggregation Database (gnomAD). Based on the majority of available evidence to date, this variant is likely to be pathogenic.

Center of Genomic medicine, Geneva, University Hospital of Geneva
Classification: Likely pathogenic for Ataxia-telangiectasia syndrome. Last evaluated: 2016-02-19. Review status: criteria provided, single submitter. Criteria: ACMG Guidelines, 2015. Collection method: clinical testing. Allele origin: maternal. Affected: yes.

Literature cited by the submitters: PubMed 35154108 (cited by 4 submitters).